The following is an entry in ClinVar:

NM_002485.5(NBN):c.805T>C (p.Cys269Arg)

Gene: NBN (nibrin; minus strand). Cytogenetic location: 8q21.3.
Variant type: single nucleotide variant.
Coding change: c.805T>C on transcript NM_002485.5 (MANE Select); coding-DNA position 805, T replaced by C.
Protein change: p.Cys269Arg; replaces cysteine 269 with arginine.
Molecular consequence: missense variant.
Genome position (GRCh38, 1-based): chr8:89,970,455, A>G on the plus strand (T>C on the coding strand, the complement: NBN is on the minus strand). VCF-style: chr8-89970455-A-G. GRCh37 (hg19) VCF-style: chr8-90982683-A-G.
Other names: c.559T>C, p.Cys187Arg (NM_001024688.3); short protein forms C187R, C269R.
Identifiers: ClinVar variation 1713724 (VCV001713724.5), dbSNP rs2488310077, ClinGen allele CA371658588.

ClinVar aggregate classification (germline): Uncertain significance (1 of 4 stars; one submission).

Conditions:
Microcephaly, normal intelligence and immunodeficiency (NBS). Also called: Nijmegen breakage syndrome; Microcephaly with normal intelligence immunodeficiency and lymphoreticular malignancies; Nonsyndromal microcephaly autosomal recessive with normal intelligence; Seemanova syndrome 2; Ataxia telangiectasia variant V1; SEEMANOVA SYNDROME II. Identifiers: Orphanet 647, MedGen C0398791, MONDO:0009623, OMIM 251260.

Submission:

Labcorp Genetics (formerly Invitae), Labcorp
Classification: Uncertain significance for Microcephaly, normal intelligence and immunodeficiency. Last evaluated: 2022-07-25. Review status: criteria provided, single submitter. Criteria: Invitae Variant Classification Sherloc (09022015). Collection method: clinical testing. Allele origin: germline.
Comment: In summary, the available evidence is currently insufficient to determine the role of this variant in disease. Therefore, it has been classified as a Variant of Uncertain Significance. Algorithms developed to predict the effect of missense changes on protein structure and function are either unavailable or do not agree on the potential impact of this missense change (SIFT: "Deleterious"; PolyPhen-2: "Probably Damaging"; Align-GVGD: "Class C0"). This variant has not been reported in the literature in individuals affected with NBN-related conditions. This variant is not present in population databases (gnomAD no frequency). This sequence change replaces cysteine, which is neutral and slightly polar, with arginine, which is basic and polar, at codon 269 of the NBN protein (p.Cys269Arg).